The following is an entry in ClinVar:

NC_000001.10:g.(?_243504321)_(243507653_?)del

Gene: SDCCAG8 (SHH signaling and ciliogenesis regulator SDCCAG8; plus strand). Cytogenetic location: 1q43.
Variant type: Deletion.
Identifiers: ClinVar variation 2425630 (VCV002425630.4).

ClinVar aggregate classification (germline): Uncertain significance (1 of 4 stars; one submission).

Conditions:
Senior-Loken syndrome 7 (SLSN7). Identifiers: Orphanet 3156, MedGen C3150877, MONDO:0013326, OMIM 613615.
Bardet-Biedl syndrome 16 (BBS16). Identifiers: Orphanet 110, MedGen C3889474, MONDO:0014444, OMIM 615993.

Submission:

Labcorp Genetics (formerly Invitae), Labcorp
Classification: Uncertain significance for Bardet-Biedl syndrome 16; Senior-Loken syndrome 7. Last evaluated: 2022-03-14. Review status: criteria provided, single submitter. Criteria: Invitae Variant Classification Sherloc (09022015). Collection method: clinical testing. Allele origin: germline.
Comment: In summary, the available evidence is currently insufficient to determine the role of this variant in disease. Therefore, it has been classified as a Variant of Uncertain Significance. Experimental studies and prediction algorithms are not available or were not evaluated, and the functional significance of this variant is currently unknown. This variant has not been reported in the literature in individuals affected with SDCCAG8-related conditions. This variant is a gross deletion of the genomic region encompassing exon(s) 11-12 of the SDCCAG8 gene. This variant would be expected to be in-frame, preserving the integrity of the reading frame.